The following is an entry in ClinVar:

NM_015354.3(NUP188):c.4914C>T (p.Ser1638=)

Gene: NUP188 (nucleoporin 188; plus strand). Cytogenetic location: 9q34.11.
Variant type: single nucleotide variant.
Coding change: c.4914C>T on transcript NM_015354.3 (MANE Select); coding-DNA position 4914, C replaced by T.
Protein change: p.Ser1638=; no amino-acid change (serine 1638 retained).
Molecular consequence: synonymous variant.
Genome position (GRCh38, 1-based): chr9:129,006,094, C>T. VCF-style: chr9-129006094-C-T. GRCh37 (hg19) VCF-style: chr9-131768373-C-T.
Identifiers: ClinVar variation 3043649 (VCV003043649.3), dbSNP rs61733549, ClinGen allele CA5273497.
Genomic context (GRCh38, chr9:129,006,094, plus strand): 5'-CCTTGCTTCTCTTCAGCTGGACAAGAAAAAGGAGCCCCTCACCCAGGCAGTGGGGCTCAG[C>T]ACACAGGCAGAAGGGACCAGGACGTTAAAGTAAGTGCTCTTTCTGGGATTTGATAAGGGG-3'
Protein context (NP_056169.1, residues 1628-1648): KEPLTQAVGL[Ser1638=]TQAEGTRTLK

ClinVar aggregate classification (germline): Likely benign. Review status: criteria provided, single submitter (1 of 4 stars). 2 submissions from 2 submitters: Likely benign (1). 1 of the submissions does not count toward it. Last evaluated 2024-11-15.

Conditions:
NUP188-related disorder. Also called: NUP188-related condition.

Allele frequency attached by ClinVar (database versions not stated): 1000 Genomes Project 30x 0.00109; 1000 Genomes Project 0.00120; gnomAD 0.00170; ExAC 0.00175; TOPMed 0.00186; ESP Exome Variant Server 0.00208; gnomAD exomes 0.00273.
gnomAD v4.1: 4,239 of 1,614,154 alleles (0.26%); highest among the groups gnomAD compares: Non-Finnish European, 0.31%; 10 homozygotes.

Submissions (2):

Blueprint Genetics
Classification: Likely benign. Last evaluated: 2024-11-15. Review status: criteria provided, single submitter. Criteria: ACMG Guidelines, 2015. Collection method: clinical testing. Allele origin: germline.

PreventionGenetics, part of Exact Sciences
Classification: Benign for NUP188-related condition. Last evaluated: 2019-08-09. Review status: no assertion criteria provided. Collection method: clinical testing. Allele origin: germline. Not counted in ClinVar's aggregate classification.
Comment: This variant is classified as benign based on ACMG/AMP sequence variant interpretation guidelines (Richards et al. 2015 PMID: 25741868, with internal and published modifications).